The following is an entry in ClinVar:

ClinVar aggregate classification (germline): Uncertain significance. Review status: criteria provided, multiple submitters, no conflicts (2 of 4 stars). 3 submissions from 3 submitters: Uncertain significance (3). Last evaluated 2025-04-08.

Conditions:
Inborn genetic diseases. Identifiers: MedGen C0950123, MeSH D030342.
Anauxetic dysplasia 2 (ANXD2). Identifiers: MedGen C4479357, MONDO:0054561, OMIM 617396.

Allele frequency attached by ClinVar (database versions not stated): gnomAD 0.00004 and 0.00005; gnomAD exomes 0.00012 and 0.00015; ExAC 0.00010; TOPMed 0.00008.
gnomAD v4.1: 226 of 1,613,928 alleles (0.014%); highest among the groups gnomAD compares: Admixed American, 0.022%; no homozygotes.

Submissions (3):

Revvity Omics, Revvity
Classification: Uncertain significance for Anauxetic dysplasia 2. Last evaluated: 2025-04-08. Review status: criteria provided, single submitter. Criteria: ACMG Guidelines, 2015. Collection method: clinical testing. Allele origin: germline.

Labcorp Genetics (formerly Invitae), Labcorp
Classification: Uncertain significance. Last evaluated: 2024-10-24. Review status: criteria provided, single submitter. Criteria: Invitae Variant Classification Sherloc (09022015). Collection method: clinical testing. Allele origin: germline.
Comment: This sequence change replaces arginine, which is basic and polar, with cysteine, which is neutral and slightly polar, at codon 194 of the POP1 protein (p.Arg194Cys). This variant is present in population databases (rs763492180, gnomAD 0.04%), including at least one homozygous and/or hemizygous individual. This variant has not been reported in the literature in individuals affected with POP1-related conditions. ClinVar contains an entry for this variant (Variation ID: 1431906). An algorithm developed to predict the effect of missense changes on protein structure and function (PolyPhen-2) suggests that this variant is likely to be disruptive. In summary, the available evidence is currently insufficient to determine the role of this variant in disease. Therefore, it has been classified as a Variant of Uncertain Significance.

Ambry Genetics
Classification: Uncertain significance for Inborn genetic diseases. Last evaluated: 2021-12-08. Review status: criteria provided, single submitter. Criteria: Ambry Variant Classification Scheme 2023. Collection method: clinical testing. Allele origin: germline.

NM_001145860.2(POP1):c.580C>T (p.Arg194Cys)

Gene: POP1 (POP1 ribonuclease P/MRP subunit; plus strand). Cytogenetic location: 8q22.2.
Variant type: single nucleotide variant.
Coding change: c.580C>T on transcript NM_001145860.2 (MANE Select); coding-DNA position 580, C replaced by T.
Protein change: p.Arg194Cys; replaces arginine 194 with cysteine.
Molecular consequence: missense variant.
Genome position (GRCh38, 1-based): chr8:98,130,071, C>T. VCF-style: chr8-98130071-C-T. GRCh37 (hg19) VCF-style: chr8-99142299-C-T.
Other names: c.580C>T, p.Arg194Cys (NM_001145861.2, NM_015029.3); c.580C>T (NM_015029.2); short protein forms R194C.
Identifiers: ClinVar variation 1431906 (VCV001431906.8), dbSNP rs763492180, ClinGen allele CA4820359.
Genomic context (GRCh38, chr8:98,130,071, plus strand): 5'-TCAAAAAATAAATGCCATAAAGCTCGAAGATGTCACATGAACCGGACGCTAGAATTTAAC[C>T]GTAGACAAAAGAAGAACATTTGGTTAGAAACTCACATCTGGCACGCCAAGCGGTTTCATA-3'
Protein context (NP_001139332.1, residues 184-204): CHMNRTLEFN[Arg194Cys]RQKKNIWLET